The following is an entry in ClinVar:

ClinVar aggregate classification (germline): Conflicting classifications of pathogenicity. Review status: criteria provided, conflicting classifications (1 of 4 stars). 4 submissions from 4 submitters: Uncertain significance (3); Likely benign (1). Last evaluated 2025-09-02.

Conditions:
Hereditary cancer-predisposing syndrome. Also called: Neoplastic Syndromes, Hereditary; Tumor predisposition; Hereditary Cancer Syndrome; Hereditary neoplastic syndrome. Identifiers: Orphanet 140162, MedGen C0027672, MeSH D009386, MONDO:0015356.
Familial cancer of breast. Also called: BREAST CANCER, FAMILIAL; Hereditary breast cancer; hereditary breast carcinoma. Identifiers: Orphanet 227535, MedGen C0346153, MONDO:0016419, OMIM 114480. Disease mechanism: loss of function.

Allele frequency attached by ClinVar (database versions not stated): gnomAD exomes below 0.00001; ExAC 0.00001; gnomAD 0.00002; TOPMed 0.00003; ESP Exome Variant Server 0.00015.
gnomAD v4.1: 4 of 1,613,996 alleles (0.00025%); highest among the groups gnomAD compares: African/African-American, 0.0053%; no homozygotes.

Submissions (4):

Labcorp Genetics (formerly Invitae), Labcorp
Classification: Uncertain significance for Familial cancer of breast. Last evaluated: 2025-09-02. Review status: criteria provided, single submitter. Criteria: Invitae Variant Classification Sherloc (09022015). Collection method: clinical testing. Allele origin: germline.
Comment: This sequence change replaces serine, which is neutral and polar, with proline, which is neutral and non-polar, at codon 985 of the PALB2 protein (p.Ser985Pro). This variant is present in population databases (rs139726856, gnomAD 0.007%). This variant has not been reported in the literature in individuals affected with PALB2-related conditions. ClinVar contains an entry for this variant (Variation ID: 484162). Invitae Evidence Modeling of protein sequence and biophysical properties (such as structural, functional, and spatial information, amino acid conservation, physicochemical variation, residue mobility, and thermodynamic stability) indicates that this missense variant is not expected to disrupt PALB2 protein function with a negative predictive value of 80%. In summary, the available evidence is currently insufficient to determine the role of this variant in disease. Therefore, it has been classified as a Variant of Uncertain Significance.

Ambry Genetics
Classification: Likely benign for Hereditary cancer-predisposing syndrome. Last evaluated: 2024-03-27. Review status: criteria provided, single submitter. Criteria: Ambry Variant Classification Scheme 2023. Collection method: clinical testing. Allele origin: germline.

Baylor Genetics
Classification: Uncertain significance for Familial cancer of breast. Last evaluated: 2023-05-22. Review status: criteria provided, single submitter. Criteria: ACMG Guidelines, 2015. Collection method: clinical testing. Allele origin: unknown.

Color Diagnostics, LLC DBA Color Health
Classification: Uncertain significance for Hereditary cancer-predisposing syndrome. Last evaluated: 2019-08-02. Review status: criteria provided, single submitter. Criteria: ACMG Guidelines, 2015. Collection method: clinical testing. Allele origin: germline.
Comment: This missense variant replaces serine with proline at codon 985 of the PALB2 protein. Computational prediction tools and conservation analyses suggest that this variant may not impact the protein function. Computational splicing tools suggest that this variant may not impact RNA splicing. To our knowledge, functional assays have not been performed for this variant nor has this variant been reported in individuals affected with hereditary cancer in the literature. This variant has been identified in 1/251470 chromosomes in the general population by the Genome Aggregation Database (gnomAD). Available evidence is insufficient to determine the role of this variant in disease conclusively. Therefore, this variant is classified as a Variant of Uncertain Significance.

NM_024675.4(PALB2):c.2953T>C (p.Ser985Pro)

Gene: PALB2 (partner and localizer of BRCA2; minus strand). Cytogenetic location: 16p12.2.
Variant type: single nucleotide variant.
Coding change: c.2953T>C on transcript NM_024675.4 (MANE Select); coding-DNA position 2953, T replaced by C.
Protein change: p.Ser985Pro; replaces serine 985 with proline.
Molecular consequence: missense variant.
Genome position (GRCh38, 1-based): chr16:23,623,012, A>G on the plus strand (T>C on the coding strand, the complement: PALB2 is on the minus strand). VCF-style: chr16-23623012-A-G. GRCh37 (hg19) VCF-style: chr16-23634333-A-G.
Other names: short protein forms S985P.
Identifiers: ClinVar variation 484162 (VCV000484162.19), dbSNP rs139726856, ClinGen allele CA7963462.